The following is an entry in ClinVar:

NM_032977.4(CASP10):c.920C>T (p.Ala307Val)

Gene: CASP10 (caspase 10; plus strand). Cytogenetic location: 2q33.1.
Variant type: single nucleotide variant.
Coding change: c.920C>T on transcript NM_032977.4 (MANE Select); coding-DNA position 920, C replaced by T.
Protein change: p.Ala307Val; replaces alanine 307 with valine.
Molecular consequence: missense variant. On other transcripts: 3 prime UTR variant (1), intron variant (1).
Genome position (GRCh38, 1-based): chr2:201,208,181, C>T. VCF-style: chr2-201208181-C-T. GRCh37 (hg19) VCF-style: chr2-202072904-C-T.
Other names: c.791C>T, p.Ala264Val (NM_001206542.2, NM_001230.5); c.920C>T, p.Ala307Val (NM_032974.5); c.*6C>T (NM_032976.4); c.722-889C>T (NM_001206524.2); short protein forms A264V, A307V.
Identifiers: ClinVar variation 4787387 (VCV004787387.1).

ClinVar aggregate classification (germline): Uncertain significance (1 of 4 stars; one submission).

Conditions:
Autoimmune lymphoproliferative syndrome type 2A (ALPS2A). Also called: CASP10-Related Autoimmune Lymphoproliferative Syndrome; AUTOIMMUNE LYMPHOPROLIFERATIVE SYNDROME, TYPE IIA; Autoimmune lymphoproliferative syndrome type 2. Identifiers: Orphanet 3261, MedGen C1858968, MONDO:0011383, OMIM 603909.

gnomAD v4.1: 2 of 1,611,612 alleles (0.00012%); highest among the groups gnomAD compares: Non-Finnish European, 0.00017%; no homozygotes.

Submission:

Labcorp Genetics (formerly Invitae), Labcorp
Classification: Uncertain significance for Autoimmune lymphoproliferative syndrome type 2A. Last evaluated: 2026-01-27. Review status: criteria provided, single submitter. Criteria: Invitae Variant Classification Sherloc (09022015). Collection method: clinical testing. Allele origin: germline.
Comment: This sequence change replaces alanine, which is neutral and non-polar, with valine, which is neutral and non-polar, at codon 307 of the CASP10 protein (p.Ala307Val). This variant is not present in population databases (gnomAD no frequency). This variant has not been reported in the literature in individuals affected with CASP10-related conditions. An algorithm developed to predict the effect of missense changes on protein structure and function outputs the following: PolyPhen-2: "Possibly Damaging". The valine amino acid residue is found in multiple mammalian species, which suggests that this missense change does not adversely affect protein function. In summary, the available evidence is currently insufficient to determine the role of this variant in disease. Therefore, it has been classified as a Variant of Uncertain Significance.